The following is an entry in ClinVar:

ClinVar aggregate classification (germline): Uncertain significance (1 of 4 stars; one submission).

Conditions:
Early Myoclonic Encephalopathy. Identifiers: MedGen C0270855.

Submission:

Labcorp Genetics (formerly Invitae), Labcorp
Classification: Uncertain significance for Early Myoclonic Encephalopathy. Last evaluated: 2022-11-15. Review status: criteria provided, single submitter. Criteria: Invitae Variant Classification Sherloc (09022015). Collection method: clinical testing. Allele origin: germline.
Comment: In summary, the available evidence is currently insufficient to determine the role of this variant in disease. Therefore, it has been classified as a Variant of Uncertain Significance. Advanced modeling of protein sequence and biophysical properties (such as structural, functional, and spatial information, amino acid conservation, physicochemical variation, residue mobility, and thermodynamic stability) performed at Invitae indicates that this missense variant is not expected to disrupt JMJD1C protein function. ClinVar contains an entry for this variant (Variation ID: 1034920). This variant has not been reported in the literature in individuals affected with JMJD1C-related conditions. This variant is not present in population databases (gnomAD no frequency). This sequence change replaces aspartic acid, which is acidic and polar, with glycine, which is neutral and non-polar, at codon 587 of the JMJD1C protein (p.Asp587Gly).

NM_032776.3(JMJD1C):c.1760A>G (p.Asp587Gly)

Gene: JMJD1C (jumonji domain containing 1C; minus strand). Cytogenetic location: 10q21.3.
Variant type: single nucleotide variant.
Coding change: c.1760A>G on transcript NM_032776.3 (MANE Select); coding-DNA position 1760, A replaced by G.
Protein change: p.Asp587Gly; replaces aspartic acid 587 with glycine.
Molecular consequence: missense variant. On other transcripts: non-coding transcript variant (1).
Genome position (GRCh38, 1-based): chr10:63,214,407, T>C on the plus strand (A>G on the coding strand, the complement: JMJD1C is on the minus strand). VCF-style: chr10-63214407-T-C. GRCh37 (hg19) VCF-style: chr10-64974167-T-C.
Other names: c.1214A>G, p.Asp405Gly (NM_001282948.2, NM_001318154.2); c.896A>G, p.Asp299Gly (NM_001318153.2); c.1646A>G, p.Asp549Gly (NM_001322252.2); c.1103A>G, p.Asp368Gly (NM_001322254.2, NM_001322258.2); short protein forms D405G, D549G, D299G, D368G, D587G.
Identifiers: ClinVar variation 1034920 (VCV001034920.8), dbSNP rs1847721402, ClinGen allele CA377047830.